The following is an entry in ClinVar:

ClinVar aggregate classification (germline): Uncertain significance (1 of 4 stars; one submission).

Submission:

Labcorp Genetics (formerly Invitae), Labcorp
Classification: Uncertain significance. Last evaluated: 2024-04-30. Review status: criteria provided, single submitter. Criteria: Invitae Variant Classification Sherloc (09022015). Collection method: clinical testing. Allele origin: germline.
Comment: This sequence change replaces glutamic acid, which is acidic and polar, with lysine, which is basic and polar, at codon 274 of the AGXT protein (p.Glu274Lys). This variant is not present in population databases (gnomAD no frequency). This variant has not been reported in the literature in individuals affected with AGXT-related conditions. Advanced modeling of protein sequence and biophysical properties (such as structural, functional, and spatial information, amino acid conservation, physicochemical variation, residue mobility, and thermodynamic stability) performed at Invitae indicates that this missense variant is expected to disrupt AGXT protein function with a positive predictive value of 80%. In summary, the available evidence is currently insufficient to determine the role of this variant in disease. Therefore, it has been classified as a Variant of Uncertain Significance.

NM_000030.3(AGXT):c.820G>A (p.Glu274Lys)

Gene: AGXT (alanine--glyoxylate aminotransferase; plus strand). Cytogenetic location: 2q37.3.
Variant type: single nucleotide variant.
Coding change: c.820G>A on transcript NM_000030.3 (MANE Select); coding-DNA position 820, G replaced by A.
Protein change: p.Glu274Lys; replaces glutamic acid 274 with lysine.
Molecular consequence: missense variant.
Genome position (GRCh38, 1-based): chr2:240,875,978, G>A. VCF-style: chr2-240875978-G-A. GRCh37 (hg19) VCF-style: chr2-241815395-G-A.
Other names: short protein forms E274K.
Identifiers: ClinVar variation 3685510 (VCV003685510.2).